The following is an entry in ClinVar:

ClinVar aggregate classification (germline): Benign. Review status: criteria provided, multiple submitters, no conflicts (2 of 4 stars). 3 submissions from 3 submitters: Benign (3). Last evaluated 2026-05-01.

Submissions (3):

CeGaT Center for Human Genetics Tuebingen
Classification: Benign. Last evaluated: 2026-05-01. Review status: criteria provided, single submitter. Criteria: CeGaT Center For Human Genetics Tuebingen Variant Classification Criteria Version 2. Collection method: clinical testing. Allele origin: germline. Affected: yes. Observed: 2 variant alleles.
Comment: INSR: BP4, BS1, BS2

Labcorp Genetics (formerly Invitae), Labcorp
Classification: Benign. Last evaluated: 2026-01-19. Review status: criteria provided, single submitter. Criteria: Invitae Variant Classification Sherloc (09022015). Collection method: clinical testing. Allele origin: germline.

Genetic Services Laboratory, University of Chicago
Classification: Benign. Last evaluated: 2020-06-01. Review status: criteria provided, single submitter. Criteria: ACMG Guidelines, 2015. Collection method: clinical testing. Allele origin: germline. Affected: no.

NM_000208.4(INSR):c.653-23TC[14]

Gene: INSR (insulin receptor; minus strand). Cytogenetic location: 19p13.2.
Variant type: Microsatellite.
Coding change: c.653-23TC[14] on transcript NM_000208.4 (MANE Select); 14 copies in a row of the 2-base unit TC starting at c.653-23; the reference has ten copies in a row; four copies, 8 bases duplicated.
Molecular consequence: intron variant.
Genome position (GRCh38, 1-based): chr19:7,184,641-7,184,648, GAGAGAGA duplicated on the plus strand (TCTCTCTC on the coding strand, the reverse complement: INSR is on the minus strand); duplicating any 8 consecutive bases within chr19:7,184,641-7,184,661 gives the same sequence; the position shown is the placement nearest the transcript's 3' end. VCF-style (leftmost placement, unchanged base first): chr19-7184640-G-GGAGAGAGA. GRCh37 (hg19) VCF-style: chr19-7184651-G-GGAGAGAGA.
Other names: c.653-11_653-4dup (NM_000208.3); c.653-23TC[14] (NM_001079817.3).
Identifiers: ClinVar variation 780508 (VCV000780508.18), dbSNP rs3835070, ClinGen allele CA9136042.